The following is an entry in ClinVar:

ClinVar aggregate classification (germline): Uncertain significance. Review status: criteria provided, multiple submitters, no conflicts (2 of 4 stars). 2 submissions from 2 submitters: Uncertain significance (2). Last evaluated 2024-11-27.

Conditions:
Inborn genetic diseases. Identifiers: MedGen C0950123, MeSH D030342.

gnomAD v4.1: 5 of 1,613,882 alleles (0.00031%); highest among the groups gnomAD compares: Non-Finnish European, 0.00042%; no homozygotes.

Submissions (2):

Labcorp Genetics (formerly Invitae), Labcorp
Classification: Uncertain significance. Last evaluated: 2024-11-27. Review status: criteria provided, single submitter. Criteria: Invitae Variant Classification Sherloc (09022015). Collection method: clinical testing. Allele origin: germline.
Comment: This sequence change replaces arginine, which is basic and polar, with serine, which is neutral and polar, at codon 1086 of the KAT6A protein (p.Arg1086Ser). This variant is not present in population databases (gnomAD no frequency). This variant has not been reported in the literature in individuals affected with KAT6A-related conditions. ClinVar contains an entry for this variant (Variation ID: 3112754). Invitae Evidence Modeling of protein sequence and biophysical properties (such as structural, functional, and spatial information, amino acid conservation, physicochemical variation, residue mobility, and thermodynamic stability) indicates that this missense variant is not expected to disrupt KAT6A protein function with a negative predictive value of 95%. In summary, the available evidence is currently insufficient to determine the role of this variant in disease. Therefore, it has been classified as a Variant of Uncertain Significance.

Ambry Genetics
Classification: Uncertain significance for Inborn genetic diseases. Last evaluated: 2024-01-24. Review status: criteria provided, single submitter. Criteria: Ambry Variant Classification Scheme 2023. Collection method: clinical testing. Allele origin: germline.

NM_006766.5(KAT6A):c.3256C>A (p.Arg1086Ser)

Gene: KAT6A (lysine acetyltransferase 6A; minus strand). Cytogenetic location: 8p11.21.
Variant type: single nucleotide variant.
Coding change: c.3256C>A on transcript NM_006766.5 (MANE Select); coding-DNA position 3256, C replaced by A.
Protein change: p.Arg1086Ser; replaces arginine 1086 with serine.
Molecular consequence: missense variant.
Genome position (GRCh38, 1-based): chr8:41,937,352, G>T on the plus strand (C>A on the coding strand, the complement: KAT6A is on the minus strand). VCF-style: chr8-41937352-G-T. GRCh37 (hg19) VCF-style: chr8-41794870-G-T.
Other names: short protein forms R1086S.
Identifiers: ClinVar variation 3112754 (VCV003112754.3), dbSNP rs61753683, ClinGen allele CA371070132.